The following is an entry in ClinVar:

ClinVar aggregate classification (germline): Uncertain significance (1 of 4 stars; one submission).

Conditions:
Familial thoracic aortic aneurysm and aortic dissection (TAAD). Also called: Thoracic aortic aneurysms and dissections. Identifiers: Orphanet 91387, MedGen C4707243, MONDO:0019625.

gnomAD v4.1: 1 of 1,613,998 alleles (0.000062%); highest among the groups gnomAD compares: Non-Finnish European, 0.000085%; no homozygotes.

Submission:

Color Diagnostics, LLC DBA Color Health
Classification: Uncertain significance for Familial thoracic aortic aneurysm and aortic dissection. Last evaluated: 2025-10-05. Review status: criteria provided, single submitter. Criteria: ACMG Guidelines, 2015. Collection method: clinical testing. Allele origin: germline.
Comment: This missense variant replaces glutamic acid with lysine at codon 1307 of the MYH11 protein. Computational prediction suggests that this variant may have deleterious impact on protein structure and function. To our knowledge, functional studies have not been reported for this variant. This variant has not been reported in individuals affected with MYH11-related disorders in the literature. This variant has been identified in 1/152152 chromosomes in the general population by the Genome Aggregation Database (gnomAD). The available evidence is insufficient to determine the role of this variant in disease conclusively. Therefore, this variant is classified as a Variant of Uncertain Significance.

NM_002474.3(MYH11):c.3898G>A (p.Glu1300Lys)

Genes: NDE1 (nudE neurodevelopment protein 1; plus strand), MYH11 (myosin heavy chain 11; minus strand). Cytogenetic location: 16p13.11.
Variant type: single nucleotide variant.
Coding change: c.3898G>A on transcript NM_002474.3 (MANE Select); coding-DNA position 3898, G replaced by A.
Protein change: p.Glu1300Lys; replaces glutamic acid 1300 with lysine.
Molecular consequence: missense variant. On other transcripts: 3 prime UTR variant (2).
Genome position (GRCh38, 1-based): chr16:15,724,953, C>T on the plus strand (G>A on the coding strand, the complement: MYH11 is on the minus strand). VCF-style: chr16-15724953-C-T. GRCh37 (hg19) VCF-style: chr16-15818810-C-T.
Other names: c.3919G>A, p.Glu1307Lys (NM_001040113.2, NM_001040114.2); c.3898G>A, p.Glu1300Lys (NM_022844.3); c.*702C>T (NM_001143979.2, NM_017668.3); short protein forms E1300K, E1307K.
Identifiers: ClinVar variation 4758170 (VCV004758170.1).
Genomic context (GRCh38, chr16:15,724,953, plus strand): 5'-TGTCCTGGAGCTGGGAACTGAGGGACGCCACGTCCTTGGCCAGCTTAATGGCCTTCCCCT[C>T]GGCCTCGTTAAGCATCCCTGTGACGCTCTCAACTTCATTCTAAGGGTGCCAAGAGACTGG-3'
Protein context (NP_002465.1, residues 1290-1310): ESVTGMLNEA[Glu1300Lys]GKAIKLAKDV